The following is an entry in ClinVar:

ClinVar aggregate classification (germline): Benign. Review status: criteria provided, multiple submitters, no conflicts (2 of 4 stars). 2 submissions from 2 submitters: Benign (2). Last evaluated 2018-01-12.

Conditions:
Metachromatic leukodystrophy (MLD). Also called: ARSA DEFICIENCY; CEREBROSIDE SULFATASE DEFICIENCY; METACHROMATIC LEUKOENCEPHALOPATHY; SULFATIDE LIPIDOSIS; Cerebral sclerosis diffuse metachromatic form; Arylsulfatase A Deficiency. Identifiers: Orphanet 512, MedGen C0023522, MONDO:0018868, OMIM 250100.

Allele frequency attached by ClinVar (database versions not stated): 1000 Genomes Project 30x 0.46799; 1000 Genomes Project 0.47624; TOPMed 0.48023; gnomAD exomes 0.60204.

Submissions (2):

Illumina Laboratory Services, Illumina
Classification: Benign for Metachromatic leukodystrophy. Last evaluated: 2018-01-12. Review status: criteria provided, single submitter. Criteria: ICSL Variant Classification Criteria 13 December 2019. Collection method: clinical testing. Allele origin: germline.
Comment: This variant was observed in the ICSL laboratory as part of a predisposition screen in an ostensibly healthy population. It had not been previously curated by ICSL or reported in the Human Gene Mutation Database (HGMD: prior to June 1st, 2018), and was therefore a candidate for classification through an automated scoring system. Utilizing variant allele frequency, disease prevalence and penetrance estimates, and inheritance mode, an automated score was calculated to assess if this variant is too frequent to cause the disease. Based on the score and internal cut-off values, a variant classified as benign is not then subjected to further curation. The score for this variant resulted in a classification of benign for this disease.

Breakthrough Genomics
Classification: Benign. Review status: criteria provided, single submitter. Criteria: ACMG Guidelines, 2015. Collection method: not provided. Allele origin: germline. Inheritance: Autosomal recessive inheritance. Affected: yes.

NM_000487.6(ARSA):c.*1351C>G

Gene: ARSA (arylsulfatase A; minus strand). Cytogenetic location: 22q13.33.
Variant type: single nucleotide variant.
Coding change: c.*1351C>G on transcript NM_000487.6 (MANE Select); 1351 bases downstream of the stop codon, C replaced by G.
Molecular consequence: 3 prime UTR variant.
Genome position (GRCh38, 1-based): chr22:50,623,794, G>C on the plus strand (C>G on the coding strand, the complement: ARSA is on the minus strand). VCF-style: chr22-50623794-G-C. GRCh37 (hg19) VCF-style: chr22-51062222-G-C.
Other names: c.*1351C>G (NM_001085425.3, NM_001085426.3, NM_001085427.3 and 2 more transcripts).
Identifiers: ClinVar variation 342205 (VCV000342205.6), dbSNP rs131717, ClinGen allele CA10651546.
Genomic context (GRCh38, chr22:50,623,794, plus strand): 5'-ATTAAATAAAAAAAAATTAGCTGGGCATGGCAGCACACACCTGTAGTTCCAGCTACTAGG[G>C]AGGCTGAGGCAGGAGAATCCCTGGAACCCGGGAGGCGGAGGTTGCAGTGAGCGGAGATGG-3'